The following is an entry in ClinVar:

ClinVar aggregate classification (germline): Benign/Likely benign. Review status: criteria provided, multiple submitters, no conflicts (2 of 4 stars). 5 submissions from 5 submitters: Benign (1); Likely benign (4). Last evaluated 2025-12-31.

Conditions:
Amish lethal microcephaly (MCPHA). Also called: THIAMINE METABOLISM DYSFUNCTION SYNDROME 3 (MICROCEPHALY TYPE); MICROCEPHALY, AMISH TYPE. Identifiers: Orphanet 99742, MedGen C1846648, MONDO:0011790, OMIM 607196.

Allele frequency attached by ClinVar (database versions not stated): gnomAD 0.00015 and 0.00021; TOPMed 0.00021; gnomAD exomes 0.00024 and 0.00039; 1000 Genomes Project 30x 0.00047; ExAC 0.00047; 1000 Genomes Project 0.00060.
gnomAD v4.1: 394 of 1,613,144 alleles (0.024%); highest among the groups gnomAD compares: East Asian, 0.67%; 5 homozygotes.

Submissions (5):

Labcorp Genetics (formerly Invitae), Labcorp
Classification: Benign. Last evaluated: 2025-12-31. Review status: criteria provided, single submitter. Criteria: Invitae Variant Classification Sherloc (09022015). Collection method: clinical testing. Allele origin: germline.

Laboratory of Genetics, Children's Clinical University Hospital Latvia
Classification: Likely benign. Last evaluated: 2025-02-16. Review status: criteria provided, single submitter. Criteria: ACMG Guidelines, 2015. Collection method: clinical testing. Allele origin: germline. Affected: yes.

Blueprint Genetics
Classification: Likely benign. Last evaluated: 2024-11-06. Review status: criteria provided, single submitter. Criteria: ACMG Guidelines, 2015. Collection method: clinical testing. Allele origin: germline.

GeneDx
Classification: Likely benign. Last evaluated: 2020-11-06. Review status: criteria provided, single submitter. Criteria: GeneDx Variant Classification Process June 2021. Collection method: clinical testing. Allele origin: germline. Affected: yes.

Illumina Laboratory Services, Illumina
Classification: Likely benign for Amish lethal microcephaly. Last evaluated: 2018-01-13. Review status: criteria provided, single submitter. Criteria: ICSL Variant Classification Criteria 13 December 2019. Collection method: clinical testing. Allele origin: germline.
Comment: This variant was observed in the ICSL laboratory as part of a predisposition screen in an ostensibly healthy population. It had not been previously curated by ICSL or reported in the Human Gene Mutation Database (HGMD: prior to June 1st, 2018), and was therefore a candidate for classification through an automated scoring system. Utilizing variant allele frequency, disease prevalence and penetrance estimates, and inheritance mode, an automated score was calculated to assess if this variant is too frequent to cause the disease. Based on the score and internal cut-off values, a variant classified as likely benign is not then subjected to further curation. The score for this variant resulted in a classification of likely benign for this disease.

NM_001126121.2(SLC25A19):c.642T>C (p.Asn214=)

Gene: SLC25A19 (solute carrier family 25 member 19; minus strand). Cytogenetic location: 17q25.1.
Variant type: single nucleotide variant.
Coding change: c.642T>C on transcript NM_001126121.2 (MANE Select); coding-DNA position 642, T replaced by C.
Protein change: p.Asn214=; no amino-acid change (asparagine 214 retained).
Molecular consequence: synonymous variant.
Genome position (GRCh38, 1-based): chr17:75,278,153, A>G on the plus strand (T>C on the coding strand, the complement: SLC25A19 is on the minus strand). VCF-style: chr17-75278153-A-G. GRCh37 (hg19) VCF-style: chr17-73274234-A-G.
Other names: c.642T>C, p.Asn214= (NM_001126122.2, NM_021734.5).
Identifiers: ClinVar variation 386288 (VCV000386288.16), dbSNP rs147091827, ClinGen allele CA8760935.
Genomic context (GRCh38, chr17:75,278,153, plus strand): 5'-AAGGGGGTGTTCTGGTGGCTGGGGTGGGAGGGCTCCCTCTCGTGTGAGGGCTGCCTCACC[A>G]TTTTTCTTTCCTTCGGCTGGTATGGCCCACTTGTACAGGTGCTTCAAGGAGCTGTAGCAA-3'
Protein context (NP_001119593.1, residues 204-224): KWAIPAEGKK[Asn214=]ENLQNLLCGS